The following is an entry in ClinVar:

ClinVar aggregate classification (germline): Pathogenic (1 of 4 stars; one submission).

Conditions:
PHGDH deficiency. Identifiers: Orphanet 79351, MedGen C1866174, MONDO:0011152, OMIM 601815.

Allele frequency attached by ClinVar (database versions not stated): gnomAD exomes below 0.00001; gnomAD 0.00001.

Submission:

Labcorp Genetics (formerly Invitae), Labcorp
Classification: Pathogenic for PHGDH deficiency. Last evaluated: 2023-12-13. Review status: criteria provided, single submitter. Criteria: Invitae Variant Classification Sherloc (09022015). Collection method: clinical testing. Allele origin: germline.
Comment: This sequence change creates a premature translational stop signal (p.Gln433*) in the PHGDH gene. It is expected to result in an absent or disrupted protein product. Loss-of-function variants in PHGDH are known to be pathogenic (PMID: 14645240, 24836451). This variant is not present in population databases (gnomAD no frequency). This premature translational stop signal has been observed in individual(s) with clinical features of phosphoglycerate dehydrogenase deficiency (PMID: 25913727). ClinVar contains an entry for this variant (Variation ID: 2202834). For these reasons, this variant has been classified as Pathogenic.

Literature cited by the submitters: PubMed 14645240; PubMed 24836451; PubMed 25913727.

NM_006623.4(PHGDH):c.1297C>T (p.Gln433Ter)

Gene: PHGDH (phosphoglycerate dehydrogenase; plus strand). Cytogenetic location: 1p12.
Variant type: single nucleotide variant.
Coding change: c.1297C>T on transcript NM_006623.4 (MANE Select); coding-DNA position 1297, C replaced by T.
Protein change: p.Gln433Ter; replaces glutamine 433 with a stop codon.
Molecular consequence: nonsense.
Genome position (GRCh38, 1-based): chr1:119,742,894, C>T. VCF-style: chr1-119742894-C-T. GRCh37 (hg19) VCF-style: chr1-120285517-C-T.
Other names: short protein forms Q433*.
Identifiers: ClinVar variation 2202834 (VCV002202834.4), dbSNP rs1652276791, ClinGen allele CA341853657.